The following is an entry in ClinVar:

ClinVar aggregate classification (germline): Uncertain significance (1 of 4 stars; one submission).

Conditions:
Inborn genetic diseases. Identifiers: MedGen C0950123, MeSH D030342.

Submission:

Ambry Genetics
Classification: Uncertain significance for Inborn genetic diseases. Last evaluated: 2025-04-05. Review status: criteria provided, single submitter. Criteria: Ambry Variant Classification Scheme 2023. Collection method: clinical testing. Allele origin: germline.
Comment: The p.V128F variant (also known as c.382G>T), located in coding exon 3 of the USB1 gene, results from a G to T substitution at nucleotide position 382. The valine at codon 128 is replaced by phenylalanine, an amino acid with highly similar properties. This amino acid position is conserved. In addition, the in silico prediction for this alteration is inconclusive. Based on the available evidence, the clinical significance of this variant remains unclear.

NM_024598.4(USB1):c.382G>T (p.Val128Phe)

Gene: USB1 (U6 snRNA biogenesis phosphodiesterase 1; plus strand). Cytogenetic location: 16q21.
Variant type: single nucleotide variant.
Coding change: c.382G>T on transcript NM_024598.4 (MANE Select); coding-DNA position 382, G replaced by T.
Protein change: p.Val128Phe; replaces valine 128 with phenylalanine.
Molecular consequence: missense variant.
Genome position (GRCh38, 1-based): chr16:58,010,045, G>T. VCF-style: chr16-58010045-G-T. GRCh37 (hg19) VCF-style: chr16-58043949-G-T.
Other names: c.382G>T, p.Val128Phe (NM_001195302.2, NM_001204911.2, NM_001330569.2); c.229G>T, p.Val77Phe (NM_001330568.2); short protein forms V77F, V128F.
Identifiers: ClinVar variation 3978151 (VCV003978151.1).